The following is an entry in ClinVar:

NM_001029883.3(PCARE):c.1504_1505del (p.Leu502fs)

Gene: PCARE (photoreceptor cilium actin regulator; minus strand). Cytogenetic location: 2p23.2.
Variant type: Deletion.
Coding change: c.1504_1505del on transcript NM_001029883.3 (MANE Select); coding-DNA positions 1504 to 1505, 2 bases deleted (CT; older notation c.1504_1505delCT).
Protein change: p.Leu502fs; shifts the reading frame from leucine 502.
Molecular consequence: frameshift variant.
Genome position (GRCh38, 1-based): chr2:29,072,757-29,072,758, AG deleted on the plus strand (CT on the coding strand, the reverse complement: PCARE is on the minus strand); deleting any 2 consecutive bases within chr2:29,072,757-29,072,759 gives the same sequence; the c. name uses the placement nearest the transcript's 3' end. VCF-style (leftmost placement, unchanged base first): chr2-29072756-CAG-C. GRCh37 (hg19) VCF-style: chr2-29295622-CAG-C.
Other names: short protein forms L502fs.
Identifiers: ClinVar variation 2793520 (VCV002793520.3), dbSNP rs1667514457, ClinGen allele CA1241018845.

ClinVar aggregate classification (germline): Pathogenic (1 of 4 stars; one submission).

Submission:

Labcorp Genetics (formerly Invitae), Labcorp
Classification: Pathogenic. Last evaluated: 2023-06-05. Review status: criteria provided, single submitter. Criteria: Invitae Variant Classification Sherloc (09022015). Collection method: clinical testing. Allele origin: germline.
Comment: This variant is not present in population databases (gnomAD no frequency). For these reasons, this variant has been classified as Pathogenic. This variant has not been reported in the literature in individuals affected with PCARE-related conditions. This sequence change creates a premature translational stop signal (p.Leu502Valfs*18) in the PCARE gene. It is expected to result in an absent or disrupted protein product. Loss-of-function variants in PCARE are known to be pathogenic (PMID: 20398886, 24339724, 26496393).

Literature cited by the submitters: PubMed 20398886; PubMed 24339724; PubMed 26496393.